The following is an entry in ClinVar:

ClinVar aggregate classification (germline): Conflicting classifications of pathogenicity. Review status: criteria provided, conflicting classifications (1 of 4 stars). 2 submissions from 2 submitters: Pathogenic (1); Uncertain significance (1). Last evaluated 2024-03-09.

Submissions (2):

Labcorp Genetics (formerly Invitae), Labcorp
Classification: Pathogenic. Last evaluated: 2024-03-09. Review status: criteria provided, single submitter. Criteria: Invitae Variant Classification Sherloc (09022015). Collection method: clinical testing. Allele origin: germline.
Comment: This sequence change creates a premature translational stop signal (p.Leu777Trpfs*12) in the LZTR1 gene. While this is not anticipated to result in nonsense mediated decay, it is expected to disrupt the last 64 amino acid(s) of the LZTR1 protein. This variant is not present in population databases (gnomAD no frequency). This variant has not been reported in the literature in individuals affected with LZTR1-related conditions. ClinVar contains an entry for this variant (Variation ID: 2652932). This variant disrupts a region of the LZTR1 protein in which other variant(s) (p.Leu806Trp) have been determined to be pathogenic (Invitae). This suggests that this is a clinically significant region of the protein, and that variants that disrupt it are likely to be disease-causing. For these reasons, this variant has been classified as Pathogenic.

CeGaT Center for Human Genetics Tuebingen
Classification: Uncertain significance. Last evaluated: 2022-12-01. Review status: criteria provided, single submitter. Criteria: CeGaT Center For Human Genetics Tuebingen Variant Classification Criteria Version 2. Collection method: clinical testing. Allele origin: germline. Affected: yes. Observed: 1 variant allele.
Comment: LZTR1: PM2

NM_006767.4(LZTR1):c.2329del (p.Leu777fs)

Gene: LZTR1 (leucine zipper like post translational regulator 1; plus strand). Cytogenetic location: 22q11.21.
Variant type: Deletion.
Coding change: c.2329del on transcript NM_006767.4 (MANE Select); coding-DNA position 2329, one base deleted (C; older notation c.2329delC).
Protein change: p.Leu777fs; shifts the reading frame from leucine 777.
Molecular consequence: frameshift variant.
Genome position (GRCh38, 1-based): chr22:20,996,889, C deleted; the last of 2 consecutive C bases (chr22:20,996,888-20,996,889); deleting either gives the same sequence. VCF-style (leftmost placement, unchanged base first): chr22-20996887-TC-T. GRCh37 (hg19) VCF-style: chr22-21351176-TC-T.
Other names: short protein forms L777fs.
Identifiers: ClinVar variation 2652932 (VCV002652932.26), dbSNP rs2518625979, ClinGen allele CA2655462890.